The following is an entry in ClinVar:

NM_003482.4(KMT2D):c.11537G>T (p.Gly3846Val)

Gene: KMT2D (lysine methyltransferase 2D; minus strand). Cytogenetic location: 12q13.12.
Variant type: single nucleotide variant.
Coding change: c.11537G>T on transcript NM_003482.4 (MANE Select); coding-DNA position 11537, G replaced by T.
Protein change: p.Gly3846Val; replaces glycine 3846 with valine.
Molecular consequence: missense variant.
Genome position (GRCh38, 1-based): chr12:49,033,168, C>A on the plus strand (G>T on the coding strand, the complement: KMT2D is on the minus strand). VCF-style: chr12-49033168-C-A. GRCh37 (hg19) VCF-style: chr12-49426951-C-A.
Other names: short protein forms G3846V.
Identifiers: ClinVar variation 1381064 (VCV001381064.6), dbSNP rs1565777980, ClinGen allele CA384717819.
Genomic context (GRCh38, chr12:49,033,168, plus strand): 5'-TGTTGGTGCTGTTGTTGCTGCTGCTGCTGCTGGGCTGTGACCAGCCTGTGTCCCATAAGG[C>A]CCTGACCCTGCTGTGCCAGCTGGGGGGAACTGAGCACCCGGGACTGGGTCATAAGCACCT-3'
Protein context (NP_003473.3, residues 3836-3856): SSPQLAQQGQ[Gly3846Val]LMGHRLVTAQ

ClinVar aggregate classification (germline): Uncertain significance (1 of 4 stars; one submission).

Conditions:
Kabuki syndrome. Also called: NIIKAWA-KUROKI SYNDROME; Kabuki make-up syndrome. Identifiers: Orphanet 2322, MedGen C0796004, MONDO:0016512.

gnomAD v4.1: 1 of 1,550,052 alleles (0.000065%); highest among the groups gnomAD compares: Non-Finnish European, 0.000087%; no homozygotes.

Submission:

Labcorp Genetics (formerly Invitae), Labcorp
Classification: Uncertain significance for Kabuki syndrome. Last evaluated: 2021-09-14. Review status: criteria provided, single submitter. Criteria: Invitae Variant Classification Sherloc (09022015). Collection method: clinical testing. Allele origin: germline.
Comment: Algorithms developed to predict the effect of sequence changes on RNA splicing suggest that this variant may create or strengthen a splice site. This sequence change replaces glycine with valine at codon 3846 of the KMT2D protein (p.Gly3846Val). The glycine residue is weakly conserved and there is a moderate physicochemical difference between glycine and valine. This variant is not present in population databases (ExAC no frequency). This variant has not been reported in the literature in individuals affected with KMT2D-related conditions. Advanced modeling of protein sequence and biophysical properties (such as structural, functional, and spatial information, amino acid conservation, physicochemical variation, residue mobility, and thermodynamic stability) performed at Invitae indicates that this missense variant is not expected to disrupt KMT2D protein function. In summary, the available evidence is currently insufficient to determine the role of this variant in disease. Therefore, it has been classified as a Variant of Uncertain Significance.